The following is an entry in ClinVar:

ClinVar aggregate classification (germline): Benign/Likely benign. Review status: criteria provided, multiple submitters, no conflicts (2 of 4 stars). 6 submissions from 6 submitters: Benign (2); Likely benign (2). 2 of the submissions do not count toward it. Last evaluated 2024-11-19.

Allele frequency attached by ClinVar (database versions not stated): 1000 Genomes Project 30x 0.00078; 1000 Genomes Project 0.00100; TOPMed 0.00178; ESP Exome Variant Server 0.00277; gnomAD exomes 0.00289 and 0.00369; gnomAD 0.00340 and 0.00358; ExAC 0.00369.
gnomAD v4.1: 4,706 of 1,613,528 alleles (0.29%); highest among the groups gnomAD compares: Non-Finnish European, 0.27%; 26 homozygotes.

Submissions (6):

Blueprint Genetics
Classification: Likely benign. Last evaluated: 2024-11-19. Review status: criteria provided, single submitter. Criteria: ACMG Guidelines, 2015. Collection method: clinical testing. Allele origin: germline.

CeGaT Center for Human Genetics Tuebingen
Classification: Likely benign. Last evaluated: 2023-12-01. Review status: criteria provided, single submitter. Criteria: CeGaT Center For Human Genetics Tuebingen Variant Classification Criteria Version 2. Collection method: clinical testing. Allele origin: germline. Affected: yes. Observed: 1 variant allele.
Comment: CLEC7A: BP4, BS2

Labcorp Genetics (formerly Invitae), Labcorp
Classification: Benign. Last evaluated: 2018-08-08. Review status: criteria provided, single submitter. Criteria: Invitae Variant Classification Sherloc (09022015). Collection method: clinical testing. Allele origin: germline.

Breakthrough Genomics
Classification: Benign. Review status: criteria provided, single submitter. Criteria: ACMG Guidelines, 2015. Collection method: not provided. Allele origin: germline. Inheritance: Autosomal recessive inheritance. Affected: yes.

Clinical Genetics DNA and cytogenetics Diagnostics Lab, Erasmus MC, Erasmus Medical Center
Classification: Likely benign. Review status: no assertion criteria provided. Collection method: clinical testing. Allele origin: germline. Affected: yes. Study: VKGL Data-share Consensus. Not counted in ClinVar's aggregate classification.

Genome Diagnostics Laboratory, University Medical Center Utrecht
Classification: Likely benign. Review status: no assertion criteria provided. Collection method: clinical testing. Allele origin: germline. Affected: yes. Study: VKGL Data-share Consensus. Not counted in ClinVar's aggregate classification.

NM_197947.3(CLEC7A):c.547C>T (p.Leu183Phe)

Gene: CLEC7A (C-type lectin domain containing 7A; minus strand). Cytogenetic location: 12p13.2.
Variant type: single nucleotide variant.
Coding change: c.547C>T on transcript NM_197947.3 (MANE Select); coding-DNA position 547, C replaced by T.
Protein change: p.Leu183Phe; replaces leucine 183 with phenylalanine.
Molecular consequence: missense variant. On other transcripts: non-coding transcript variant (1), intron variant (2).
Genome position (GRCh38, 1-based): chr12:10,123,309, G>A on the plus strand (C>T on the coding strand, the complement: CLEC7A is on the minus strand). VCF-style: chr12-10123309-G-A. GRCh37 (hg19) VCF-style: chr12-10275908-G-A.
Other names: c.409C>T, p.Leu137Phe (NM_022570.5); c.310C>T, p.Leu104Phe (NM_197950.3); c.354+1988C>T (NM_197949.3); c.492+1988C>T (NM_197948.3); short protein forms L104F, L183F, L137F.
Identifiers: ClinVar variation 717363 (VCV000717363.29), dbSNP rs140318683, ClinGen allele CA6443934.